The following is an entry in ClinVar:

ClinVar aggregate classification (germline): Benign/Likely benign. Review status: criteria provided, multiple submitters, no conflicts (2 of 4 stars). 8 submissions from 8 submitters: Benign (6); Likely benign (2). Last evaluated 2026-09-01.

Conditions:
Renal carnitine transport defect (CDSP). Also called: Systemic primary carnitine deficiency; CARNITINE DEFICIENCY, SYSTEMIC, DUE TO DEFECT IN RENAL REABSORPTION OF CARNITINE; CARNITINE TRANSPORTER, PLASMA-MEMBRANE, DEFICIENCY OF; CARNITINE UPTAKE DEFECT; Primary carnitine deficiency; Carnitine transporter deficiency. Identifiers: Orphanet 158, MedGen C0342788, MONDO:0008919, OMIM 212140.

Allele frequency attached by ClinVar (database versions not stated): gnomAD exomes 0.00033 and 0.00093; ExAC 0.00120; 1000 Genomes Project 30x 0.00312; gnomAD 0.00314 and 0.00335; 1000 Genomes Project 0.00339; TOPMed 0.00381; ESP Exome Variant Server 0.00438.
gnomAD v4.1: 991 of 1,610,010 alleles (0.062%); highest among the groups gnomAD compares: African/African-American, 1.1%; 5 homozygotes.

Submissions (8):

CeGaT Center for Human Genetics Tuebingen
Classification: Benign. Last evaluated: 2026-09-01. Review status: criteria provided, single submitter. Criteria: CeGaT Center For Human Genetics Tuebingen Variant Classification Criteria Version 2. Collection method: clinical testing. Allele origin: germline. Affected: yes. Observed: 2 variant alleles.
Comment: SLC22A5: BP4, BS1, BS2

Labcorp Genetics (formerly Invitae), Labcorp
Classification: Benign for Renal carnitine transport defect. Last evaluated: 2026-02-03. Review status: criteria provided, single submitter. Criteria: Invitae Variant Classification Sherloc (09022015). Collection method: clinical testing. Allele origin: germline.

Blueprint Genetics
Classification: Likely benign. Last evaluated: 2024-11-26. Review status: criteria provided, single submitter. Criteria: ACMG Guidelines, 2015. Collection method: clinical testing. Allele origin: germline.

Mayo Clinic Laboratories, Mayo Clinic
Classification: Benign. Last evaluated: 2023-06-08. Review status: criteria provided, single submitter. Criteria: ACMG Guidelines, 2015. Collection method: clinical testing. Allele origin: germline. Observed: 9 variant alleles.
Comment: BS1, BS2, BP4_strong

Giacomini Lab, University of California, San Francisco
Classification: Likely benign for Renal carnitine transport defect. Last evaluated: 2022-10-03. Review status: criteria provided, single submitter. Criteria: ACMG Guidelines, 2015. Collection method: research, in vitro. Allele origin: germline, not applicable.

Genome-Nilou Lab
Classification: Benign for Renal carnitine transport defect. Last evaluated: 2021-07-15. Review status: criteria provided, single submitter. Criteria: ACMG Guidelines, 2015. Collection method: clinical testing. Allele origin: germline. Affected: no.

GeneDx
Classification: Benign. Last evaluated: 2020-08-19. Review status: criteria provided, single submitter. Criteria: GeneDx Variant Classification Process June 2021. Collection method: clinical testing. Allele origin: germline. Affected: yes.
Comment: This variant is associated with the following publications: (PMID: 24123366)

Women's Health and Genetics/Laboratory Corporation of America, LabCorp
Classification: Benign. Last evaluated: 2019-03-11. Review status: criteria provided, single submitter. Criteria: LabCorp Variant Classification Summary - May 2015. Collection method: clinical testing. Allele origin: germline.
Comment: Variant summary: SLC22A5 c.1590G>T (p.Met530Ile) results in a conservative amino acid change in the encoded protein sequence. Five of five in-silico tools predict a benign effect of the variant on protein function. The variant allele was found at a frequency of 0.0011 in 277086 control chromosomes, predominantly at a frequency of 0.011 within the African subpopulation in the gnomAD database, including 2 homozygotes. The observed variant frequency within African control individuals in the gnomAD database is approximately 2.41 fold of the estimated maximal expected allele frequency for a pathogenic variant in SLC22A5 causing Systemic Primary Carnitine Deficiency phenotype (0.0046), strongly suggesting that the variant is a benign polymorphism found primarily in populations of African origin. To our knowledge, no occurrence of c.1590G>T in individuals affected with Systemic Primary Carnitine Deficiency and no experimental evidence demonstrating its impact on protein function have been reported. Two ClinVar submissions from clinical diagnostic laboratories (evaluation after 2014) cite the variant once as likely benign and once as benign. Based on the evidence outlined above, the variant was classified as benign.

NM_003060.4(SLC22A5):c.1590G>T (p.Met530Ile)

Gene: SLC22A5 (solute carrier family 22 member 5; plus strand). Cytogenetic location: 5q31.1.
Variant type: single nucleotide variant.
Coding change: c.1590G>T on transcript NM_003060.4 (MANE Select); coding-DNA position 1590, G replaced by T.
Protein change: p.Met530Ile; replaces methionine 530 with isoleucine.
Molecular consequence: missense variant.
Genome position (GRCh38, 1-based): chr5:132,394,188, G>T. VCF-style: chr5-132394188-G-T. GRCh37 (hg19) VCF-style: chr5-131729880-G-T.
Other names: p.Met530Ile; c.1662G>T, p.Met554Ile (NM_001308122.2); short protein forms M530I, M554I.
Identifiers: ClinVar variation 460403 (VCV000460403.46), dbSNP rs148233131, ClinGen allele CA3404219.